The following is an entry in ClinVar:

ClinVar aggregate classification (germline): Uncertain significance. Review status: criteria provided, multiple submitters, no conflicts (2 of 4 stars). 8 submissions from 8 submitters: Uncertain significance (7). 1 of the submissions does not count toward it. Last evaluated 2025-09-05.

Conditions:
PCNT-related disorder. Also called: PCNT-related condition.
Microcephalic osteodysplastic primordial dwarfism type II (MOPD2). Also called: Microcephalic osteodysplastic primordial dwarfism with tooth abnormalities; MOPD II; OSTEODYSPLASTIC PRIMORDIAL DWARFISM, TYPE II. Identifiers: Orphanet 2637, MedGen C0432246, MONDO:0008872, OMIM 210720.

gnomAD v4.1: 133 of 1,563,286 alleles (0.0085%); highest among the groups gnomAD compares: Non-Finnish European, 0.0097%; no homozygotes.

Submissions (8):

Women's Health and Genetics/Laboratory Corporation of America, LabCorp
Classification: Uncertain significance. Last evaluated: 2025-09-05. Review status: criteria provided, single submitter. Criteria: LabCorp Variant Classification Summary - May 2015. Collection method: clinical testing. Allele origin: germline.
Comment: Variant summary: PCNT c.445A>G (p.Ser149Gly) results in a non-conservative amino acid change in the encoded protein sequence. Algorithms developed to predict the effect of missense changes on protein structure and function are either unavailable or do not agree on the potential impact of this missense change. The variant allele was found at a frequency of 4e-05 in 250342 control chromosomes. This frequency is not significantly higher than estimated for disease-causing variants in PCNT, allowing no conclusion about variant significance. To our knowledge, no occurrence of c.445A>G in individuals affected with PCNT-related conditions and no experimental evidence demonstrating its impact on protein function have been reported. ClinVar contains an entry for this variant (Variation ID: 340460). Based on the evidence outlined above, the variant was classified as uncertain significance.

GeneDx
Classification: Uncertain significance. Last evaluated: 2025-07-26. Review status: criteria provided, single submitter. Criteria: GeneDx Variant Classification Process June 2021. Collection method: clinical testing. Allele origin: germline. Affected: yes.
Comment: In silico analysis suggests that this missense variant does not alter protein structure/function; Has not been previously published as pathogenic or benign to our knowledge

Labcorp Genetics (formerly Invitae), Labcorp
Classification: Uncertain significance. Last evaluated: 2021-11-22. Review status: criteria provided, single submitter. Criteria: Invitae Variant Classification Sherloc (09022015). Collection method: clinical testing. Allele origin: germline.
Comment: This sequence change replaces serine, which is neutral and polar, with glycine, which is neutral and non-polar, at codon 149 of the PCNT protein (p.Ser149Gly). The frequency data for this variant in the population databases is considered unreliable, as metrics indicate poor data quality at this position in the gnomAD database. This variant has not been reported in the literature in individuals affected with PCNT-related conditions. ClinVar contains an entry for this variant (Variation ID: 340460). Algorithms developed to predict the effect of missense changes on protein structure and function are either unavailable or do not agree on the potential impact of this missense change (SIFT: "Tolerated"; PolyPhen-2: "Possibly Damaging"; Align-GVGD: "Class C0"). In summary, the available evidence is currently insufficient to determine the role of this variant in disease. Therefore, it has been classified as a Variant of Uncertain Significance.

Illumina Laboratory Services, Illumina
Classification: Uncertain significance for Microcephalic osteodysplastic primordial dwarfism type II. Last evaluated: 2018-01-12. Review status: criteria provided, single submitter. Criteria: ICSL Variant Classification Criteria 13 December 2019. Collection method: clinical testing. Allele origin: germline.

Eurofins Ntd Llc (ga)
Classification: Uncertain significance. Last evaluated: 2016-12-05. Review status: criteria provided, single submitter. Criteria: EGL Classification Definitions 2015. Collection method: clinical testing. Allele origin: germline. Observed: 1 variant allele.

Breakthrough Genomics
Classification: Uncertain significance. Review status: criteria provided, single submitter. Criteria: ACMG Guidelines, 2015. Collection method: not provided. Allele origin: germline. Inheritance: Autosomal dominant inheritance. Affected: yes.

Daryl Scott Lab, Baylor College of Medicine
Classification: Uncertain significance for Microcephalic osteodysplastic primordial dwarfism type II. Review status: criteria provided, single submitter. Criteria: ACMG Guidelines, 2015. Collection method: clinical testing. Allele origin: paternal. Affected: yes. Observed: 1 heterozygote.
Comment: BP4

PreventionGenetics, part of Exact Sciences
Classification: Uncertain significance for PCNT-related condition. Last evaluated: 2024-05-07. Review status: no assertion criteria provided. Collection method: clinical testing. Allele origin: germline. Not counted in ClinVar's aggregate classification.
Comment: The PCNT c.445A>G variant is predicted to result in the amino acid substitution p.Ser149Gly. To our knowledge, this variant has not been reported in the literature. This variant is reported in 0.029% of alleles in individuals of Ashkenazi Jewish descent in gnomAD. At this time, the clinical significance of this variant is uncertain due to the absence of conclusive functional and genetic evidence.

NM_006031.6(PCNT):c.445A>G (p.Ser149Gly)

Gene: PCNT (pericentrin; plus strand). Cytogenetic location: 21q22.3.
Variant type: single nucleotide variant.
Coding change: c.445A>G on transcript NM_006031.6 (MANE Select); coding-DNA position 445, A replaced by G.
Protein change: p.Ser149Gly; replaces serine 149 with glycine.
Molecular consequence: missense variant.
Genome position (GRCh38, 1-based): chr21:46,334,574, A>G. VCF-style: chr21-46334574-A-G. GRCh37 (hg19) VCF-style: chr21-47754488-A-G.
Other names: c.91A>G, p.Ser31Gly (NM_001315529.2); short protein forms S149G, S31G.
Identifiers: ClinVar variation 340460 (VCV000340460.18), dbSNP rs111737555, ClinGen allele CA10078258.
Genomic context (GRCh38, chr21:46,334,574, plus strand): 5'-CAGCATGGGATGTTCACAGTCGGTGACCACCCACCAGAACAGCGTGGGATGTTCACAGTC[A>G]GTGACCACCCACCAGAACAGCATGGGATGTTCACAGTCAGTGACCACCCACCAGAACAGC-3'
Protein context (NP_006022.3, residues 139-159): PPEQRGMFTV[Ser149Gly]DHPPEQHGMF